The following is an entry in ClinVar:

NM_001367805.3(KIF23):c.634G>A (p.Glu212Lys)

Gene: KIF23 (kinesin family member 23; plus strand). Cytogenetic location: 15q23.
Variant type: single nucleotide variant.
Coding change: c.634G>A on transcript NM_001367805.3 (MANE Select); coding-DNA position 634, G replaced by A.
Protein change: p.Glu212Lys; replaces glutamic acid 212 with lysine.
Molecular consequence: missense variant. On other transcripts: non-coding transcript variant (2).
Genome position (GRCh38, 1-based): chr15:69,423,229, G>A. VCF-style: chr15-69423229-G-A. GRCh37 (hg19) VCF-style: chr15-69715568-G-A.
Other names: c.304G>A, p.Glu102Lys (NM_001281301.2); c.634G>A, p.Glu212Lys (NM_001367804.2, NM_004856.7, NM_138555.4); short protein forms E102K, E212K.
Identifiers: ClinVar variation 3620584 (VCV003620584.2).

ClinVar aggregate classification (germline): Uncertain significance (1 of 4 stars; one submission).

Submission:

Labcorp Genetics (formerly Invitae), Labcorp
Classification: Uncertain significance. Last evaluated: 2024-12-30. Review status: criteria provided, single submitter. Criteria: Invitae Variant Classification Sherloc (09022015). Collection method: clinical testing. Allele origin: germline.
Comment: This sequence change replaces glutamic acid, which is acidic and polar, with lysine, which is basic and polar, at codon 212 of the KIF23 protein (p.Glu212Lys). This variant is not present in population databases (gnomAD no frequency). This variant has not been reported in the literature in individuals affected with KIF23-related conditions. Invitae Evidence Modeling of protein sequence and biophysical properties (such as structural, functional, and spatial information, amino acid conservation, physicochemical variation, residue mobility, and thermodynamic stability) indicates that this missense variant is not expected to disrupt KIF23 protein function with a negative predictive value of 80%. In summary, the available evidence is currently insufficient to determine the role of this variant in disease. Therefore, it has been classified as a Variant of Uncertain Significance.